The following is an entry in ClinVar:

ClinVar aggregate classification (germline): Conflicting classifications of pathogenicity. Review status: criteria provided, conflicting classifications (1 of 4 stars). 6 submissions from 5 submitters: Uncertain significance (2); Likely benign (4). Last evaluated 2025-10-10.

Conditions:
Congenital multicore myopathy with external ophthalmoplegia (CMYO1B). Also called: MULTIMINICORE DISEASE WITH EXTERNAL OPHTHALMOPLEGIA; MULTICORE MYOPATHY; Congenital myopathy 1B, autosomal recessive; Minicore myopathy; Minicore myopathy with external ophthalmoplegia. Identifiers: Orphanet 598, Orphanet 98905, MedGen C1850674, MONDO:0009712, OMIM 255320, HP:0003789.
RYR1-related disorder. Also called: RYR1-related disorders; RYR1-related condition. Identifiers: MedGen CN239331.
Malignant hyperthermia, susceptibility to, 1 (MHS1). Also called: Anesthesia related hyperthermia; Malignant hyperpyrexia; Fulminating hyperpyrexia; Pharmacogenic myopathy; RYR1-Related Malignant Hyperthermia Susceptibility; Malignant hyperthermia suceptibility 1. Identifiers: Orphanet 423, MedGen C2930980, MONDO:0007783, OMIM 145600.

Allele frequency attached by ClinVar (database versions not stated): ExAC 0.00003; gnomAD exomes 0.00004 and 0.00005; gnomAD 0.00006; TOPMed 0.00008.

Submissions (6):

Labcorp Genetics (formerly Invitae), Labcorp
Classification: Likely benign for RYR1-related disorder. Last evaluated: 2025-10-10. Review status: criteria provided, single submitter. Criteria: Invitae Variant Classification Sherloc (09022015). Collection method: clinical testing. Allele origin: germline.

ARUP Laboratories, Molecular Genetics and Genomics, ARUP Laboratories
Classification: Likely benign. Last evaluated: 2024-12-18. Review status: criteria provided, single submitter. Criteria: ARUP Molecular Germline Variant Investigation Process 2024. Collection method: clinical testing. Allele origin: germline.

Blueprint Genetics
Classification: Likely benign. Last evaluated: 2024-10-23. Review status: criteria provided, single submitter. Criteria: ACMG Guidelines, 2015. Collection method: clinical testing. Allele origin: germline.

All of Us Research Program, National Institutes of Health
Classification: Likely benign for Malignant hyperthermia, susceptibility to, 1. Last evaluated: 2024-01-11. Review status: criteria provided, single submitter. Criteria: ACMG Guidelines, 2015. Collection method: clinical testing. Allele origin: germline. Inheritance: Autosomal dominant inheritance. Observed: 21 variant alleles, 21 heterozygotes.
Comment: This study involves interpretation of variants in research participants for the purpose of population health screening. Participant phenotype was not available at the time of variant classification. Additional details can be found in publication PMID: 35346344, PMCID: PMC8962531

Illumina Laboratory Services, Illumina
Classification: Uncertain significance for Congenital multicore myopathy with external ophthalmoplegia. Last evaluated: 2018-01-13. Review status: criteria provided, single submitter. Criteria: ICSL Variant Classification Criteria 13 December 2019. Collection method: clinical testing. Allele origin: germline.

Illumina Laboratory Services, Illumina
Classification: Uncertain significance for Malignant hyperthermia, susceptibility to, 1. Last evaluated: 2018-01-13. Review status: criteria provided, single submitter. Criteria: ICSL Variant Classification Criteria 13 December 2019. Collection method: clinical testing. Allele origin: germline.

NM_000540.3(RYR1):c.10938-11C>T

Gene: RYR1 (ryanodine receptor 1; plus strand). Cytogenetic location: 19q13.2.
Variant type: single nucleotide variant.
Coding change: c.10938-11C>T on transcript NM_000540.3 (MANE Select); 11 bases into the intron before coding-DNA position 10938, C replaced by T.
Molecular consequence: intron variant.
Genome position (GRCh38, 1-based): chr19:38,528,588, C>T. VCF-style: chr19-38528588-C-T. GRCh37 (hg19) VCF-style: chr19-39019228-C-T.
Other names: c.10923-11C>T (NM_001042723.2).
Identifiers: ClinVar variation 329103 (VCV000329103.12), dbSNP rs760754746, ClinGen allele CA055308.